The following is an entry in ClinVar:

ClinVar aggregate classification (germline): Likely benign (1 of 4 stars; one submission).

Conditions:
Intellectual developmental disorder, autosomal dominant 52. Also called: Intellectual disability, autosomal dominant 52; Mental retardation, autosomal dominant 52. Identifiers: MedGen C4540478, MONDO:0030918, OMIM 617796.

Submission:

Centre for Medical Genetics,  Mumbai
Classification: Likely benign for Intellectual developmental disorder, autosomal dominant 52. Last evaluated: 2026-03-16. Review status: criteria provided, single submitter. Criteria: ACMG Guidelines, 2015. Collection method: provider interpretation. Allele origin: germline. Inheritance: Autosomal dominant inheritance. Affected: no. Observed: 1 variant allele, 1 heterozygote.
Comment: The variant satisfies PM2 criteria; Extremely low frequency in gnomAD population databases. The variant satisfies PP2 criteria; Missense variant in a gene with low rate of benign missense mutations and for which missense mutation is a common mechanism of a disease. However, the variant satisfies BS2 criteria.

Literature cited by the submitters: PubMed 23033978.

NM_018489.3(ASH1L):c.7847A>C (p.Glu2616Ala)

Genes: ASH1L (ASH1 like histone lysine methyltransferase; minus strand), MIR555 (microRNA 555; minus strand). Cytogenetic location: 1q22.
Variant type: single nucleotide variant.
Coding change: c.7847A>C on transcript NM_018489.3 (MANE Select); coding-DNA position 7847, A replaced by C.
Protein change: p.Glu2616Ala; replaces glutamic acid 2616 with alanine.
Molecular consequence: missense variant. On other transcripts: non-coding transcript variant (1).
Genome position (GRCh38, 1-based): chr1:155,346,426, T>G on the plus strand (A>C on the coding strand, the complement: ASH1L is on the minus strand). VCF-style: chr1-155346426-T-G. GRCh37 (hg19) VCF-style: chr1-155316217-T-G.
Other names: c.7862A>C, p.Glu2621Ala (NM_001366177.2); short protein forms E2616A, E2621A.
Identifiers: ClinVar variation 4819558 (VCV004819558.1).